The following is an entry in ClinVar:

NM_032217.5(ANKRD17):c.1831G>C (p.Asp611His)

Gene: ANKRD17 (ankyrin repeat domain 17; minus strand). Cytogenetic location: 4q13.3.
Variant type: single nucleotide variant.
Coding change: c.1831G>C on transcript NM_032217.5 (MANE Select); coding-DNA position 1831, G replaced by C.
Protein change: p.Asp611His; replaces aspartic acid 611 with histidine.
Molecular consequence: missense variant.
Genome position (GRCh38, 1-based): chr4:73,146,802, C>G on the plus strand (G>C on the coding strand, the complement: ANKRD17 is on the minus strand). VCF-style: chr4-73146802-C-G. GRCh37 (hg19) VCF-style: chr4-74012519-C-G.
Other names: c.1831G>C, p.Asp611His (NM_198889.3, NM_015574.2); c.1492G>C, p.Asp498His (NM_001286771.3); short protein forms D498H, D611H.
Identifiers: ClinVar variation 4083169 (VCV004083169.1).

ClinVar aggregate classification (germline): Uncertain significance (1 of 4 stars; one submission).

Submission:

GeneDx
Classification: Uncertain significance. Last evaluated: 2025-03-13. Review status: criteria provided, single submitter. Criteria: GeneDx Variant Classification Process June 2021. Collection method: clinical testing. Allele origin: germline. Affected: yes.
Comment: Not observed at significant frequency in large population cohorts (gnomAD); In silico analysis supports that this missense variant has a deleterious effect on protein structure/function; Has not been previously published as pathogenic or benign to our knowledge